The following is an entry in ClinVar:

ClinVar aggregate classification (germline): Likely pathogenic (1 of 4 stars; one submission).

Conditions:
Dystonia 31. Also called: ZECH-BOESCH SYNDROME. Identifiers: MedGen C5562001, MONDO:0030455, OMIM 619565.

Submission:

First Genomix Gene Laboratory, Genetic Diagnostics Department
Classification: Likely pathogenic for Dystonia 31. Last evaluated: 2025-08-25. Review status: criteria provided, single submitter. Criteria: ACMG Guidelines, 2015. Collection method: clinical testing. Allele origin: germline. Inheritance: Autosomal recessive inheritance. Affected: no. Observed: 1 variant allele.

NM_001193329.3(AOPEP):c.687_688dup (p.Arg230fs)

Gene: AOPEP (aminopeptidase O (putative); plus strand). Cytogenetic location: 9q22.32.
Variant type: Duplication.
Coding change: c.687_688dup on transcript NM_001193329.3 (MANE Select); coding-DNA positions 687 to 688, 2 bases duplicated (AA; older notation c.687_688dupAA).
Protein change: p.Arg230fs; shifts the reading frame from arginine 230.
Molecular consequence: frameshift variant. On other transcripts: non-coding transcript variant (5), intron variant (2).
Genome position (GRCh38, 1-based): chr9:94,760,470-94,760,471, AA duplicated. VCF-style (leftmost placement, unchanged base first): chr9-94760469-T-TAA. GRCh37 (hg19) VCF-style: chr9-97522751-T-TAA.
Other names: c.687_688dup, p.Arg230fs (NM_001193331.3, NM_001386062.2, NM_001386063.2 and 11 more transcripts); c.687_688dupAA (NM_001193329.3); c.-29-32295_-29-32294dup (NM_001386061.1); c.-73-12532_-73-12531dup (NM_001386073.1); short protein forms R230fs.
Identifiers: ClinVar variation 4850483 (VCV004850483.1).